The following is an entry in ClinVar:

ClinVar aggregate classification (germline): Uncertain significance (1 of 4 stars; one submission).

Conditions:
Hypertrophic cardiomyopathy 26. Also called: Cardiomyopathy, familial hypertrophic, 26. Identifiers: Orphanet 75249, MedGen C4310749, MONDO:0014883, OMIM 617047.
Myofibrillar myopathy 5. Also called: Filaminopathy (type); FILAMINOPATHY, AUTOSOMAL DOMINANT. Identifiers: Orphanet 171445, MedGen C1836050, MONDO:0012289, OMIM 609524.
Distal myopathy with posterior leg and anterior hand involvement. Also called: WILLIAMS DISTAL MYOPATHY. Identifiers: Orphanet 63273, MedGen C3279722, MONDO:0013550, OMIM 614065.

Allele frequency attached by ClinVar (database versions not stated): gnomAD 0.00001; gnomAD exomes 0.00001; TOPMed 0.00001.

Submission:

Labcorp Genetics (formerly Invitae), Labcorp
Classification: Uncertain significance for Distal myopathy with posterior leg and anterior hand involvement; Myofibrillar myopathy 5; Hypertrophic cardiomyopathy 26. Last evaluated: 2025-05-05. Review status: criteria provided, single submitter. Criteria: Invitae Variant Classification Sherloc (09022015). Collection method: clinical testing. Allele origin: germline.
Comment: This sequence change replaces arginine, which is basic and polar, with tryptophan, which is neutral and slightly polar, at codon 2621 of the FLNC protein (p.Arg2621Trp). This variant is present in population databases (no rsID available, gnomAD 0.007%). This variant has not been reported in the literature in individuals affected with FLNC-related conditions. ClinVar contains an entry for this variant (Variation ID: 650158). An algorithm developed to predict the effect of missense changes on protein structure and function (PolyPhen-2) suggests that this variant is likely to be tolerated. In summary, the available evidence is currently insufficient to determine the role of this variant in disease. Therefore, it has been classified as a Variant of Uncertain Significance.

NM_001458.5(FLNC):c.7861C>T (p.Arg2621Trp)

Genes: FLNC-AS1 (FLNC antisense RNA 1; minus strand), FLNC (filamin C; plus strand). Cytogenetic location: 7q32.1.
Variant type: single nucleotide variant.
Coding change: c.7861C>T on transcript NM_001458.5 (MANE Select); coding-DNA position 7861, C replaced by T.
Protein change: p.Arg2621Trp; replaces arginine 2621 with tryptophan.
Molecular consequence: missense variant.
Genome position (GRCh38, 1-based): chr7:128,858,088, C>T. VCF-style: chr7-128858088-C-T. GRCh37 (hg19) VCF-style: chr7-128498142-C-T.
Other names: c.7762C>T, p.Arg2588Trp (NM_001127487.2); short protein forms R2588W, R2621W.
Identifiers: ClinVar variation 650158 (VCV000650158.11), dbSNP rs1411832198, ClinGen allele CA369220227.